The following is an entry in ClinVar:

NM_012144.4(DNAI1):c.868_877delinsACTGTC (p.Val290fs)

Gene: DNAI1 (dynein axonemal intermediate chain 1; plus strand). Cytogenetic location: 9p13.3.
Variant type: Indel.
Coding change: c.868_877delinsACTGTC on transcript NM_012144.4 (MANE Select); coding-DNA positions 868 to 877, GTCAACCAGA replaced by ACTGTC.
Protein change: p.Val290fs; shifts the reading frame from valine 290.
Molecular consequence: frameshift variant.
Genome position (GRCh38, 1-based): chr9:34,497,166-34,497,175, GTCAACCAGA replaced by ACTGTC. VCF-style: chr9-34497166-GTCAACCAGA-ACTGTC. GRCh37 (hg19) VCF-style: chr9-34497164-GTCAACCAGA-ACTGTC.
Other names: c.880_889delinsACTGTC, p.Val294fs (NM_001281428.2); short protein forms V290fs, V294fs.
Identifiers: ClinVar variation 5011137 (VCV005011137.1).

ClinVar aggregate classification (germline): Pathogenic (1 of 4 stars; one submission).

Conditions:
Kartagener syndrome (CILD1). Also called: CILIARY DYSKINESIA, PRIMARY, 1; CILIARY DYSKINESIA, PRIMARY, 1, WITH OR WITHOUT SITUS INVERSUS; IMMOTILE CILIA SYNDROME; POLYNESIAN BRONCHIECTASIS; Dextrocardia bronchiectasis and sinusitis; SIEWERT SYNDROME. Identifiers: Orphanet 244, MedGen C4551906, MONDO:0009484, OMIM 244400.

Submission:

Myriad Genetics, Inc.
Classification: Pathogenic for Kartagener syndrome. Last evaluated: 2024-05-14. Review status: criteria provided, single submitter. Criteria: Myriad Autosomal Dominant, Autosomal Recessive and X-Linked Classification Criteria (2023). Collection method: clinical testing. Allele origin: unknown.
Comment: NM_012144.2(DNAI1):c.868_877del10ins6(V290Tfs*68) is expected to be pathogenic in the context of primary ciliary dyskinesia, DNAI1-related. This variant is predicted to lead to an abnormal or absent protein product due to the creation of a premature termination codon in DNAI1, a gene where loss-of-function variants are known to be pathogenic. Please note: this variant was assessed in the context of healthy population screening.